The following is an entry in ClinVar:

NM_000093.5(COL5A1):c.1197C>T (p.Asp399=)

Gene: COL5A1 (collagen type V alpha 1 chain; plus strand). Cytogenetic location: 9q34.3.
Variant type: single nucleotide variant.
Coding change: c.1197C>T on transcript NM_000093.5 (MANE Select); coding-DNA position 1197, C replaced by T.
Protein change: p.Asp399=; no amino-acid change (aspartic acid 399 retained).
Molecular consequence: synonymous variant.
Genome position (GRCh38, 1-based): chr9:134,731,528, C>T. VCF-style: chr9-134731528-C-T. GRCh37 (hg19) VCF-style: chr9-137623374-C-T.
Other names: c.1197C>T, p.Asp399= (NM_001278074.1).
Identifiers: ClinVar variation 383158 (VCV000383158.1), dbSNP rs1024770210, ClinGen allele CA16605569.

ClinVar aggregate classification (germline): Likely benign (1 of 4 stars; one submission).

Allele frequency attached by ClinVar (database versions not stated): gnomAD exomes below 0.00001; TOPMed below 0.00001.
gnomAD v4.1: 1 of 1,614,252 alleles (0.000062%); highest among the groups gnomAD compares: Non-Finnish European, 0.000085%; no homozygotes.

Submission:

GeneDx
Classification: Likely benign. Last evaluated: 2016-01-15. Review status: criteria provided, single submitter. Criteria: GeneDx Variant Classification (06012015). Collection method: clinical testing. Allele origin: germline. Affected: yes.
Comment: This variant is considered likely benign or benign based on one or more of the following criteria: it is a conservative change, it occurs at a poorly conserved position in the protein, it is predicted to be benign by multiple in silico algorithms, and/or has population frequency not consistent with disease.